The following is an entry in ClinVar:

NM_005188.4(CBL):c.2251+50G>C

Gene: CBL (Cbl proto-oncogene; plus strand). Cytogenetic location: 11q23.3.
Variant type: single nucleotide variant.
Coding change: c.2251+50G>C on transcript NM_005188.4 (MANE Select); 50 bases into the intron after coding-DNA position 2251, G replaced by C.
Molecular consequence: intron variant.
Genome position (GRCh38, 1-based): chr11:119,297,531, G>C. VCF-style: chr11-119297531-G-C. GRCh37 (hg19) VCF-style: chr11-119168241-G-C.
Identifiers: ClinVar variation 561408 (VCV000561408.2), dbSNP rs2509660, ClinGen allele CA6318728.

ClinVar aggregate classification (germline): Benign. Review status: criteria provided, multiple submitters, no conflicts (2 of 4 stars). 2 submissions from 2 submitters: Benign (2). Last evaluated 2018-06-14.

Allele frequency attached by ClinVar (database versions not stated): gnomAD exomes 0.00755; ExAC 0.00946; gnomAD 0.02990 and 0.03228; 1000 Genomes Project 30x 0.03295; 1000 Genomes Project 0.03315; ESP Exome Variant Server 0.03503; TOPMed 0.03510.
gnomAD v4.1: 8,432 of 1,345,478 alleles (0.63%); highest among the groups gnomAD compares: African/African-American, 11%; 453 homozygotes.

Submissions (2):

GeneDx
Classification: Benign. Last evaluated: 2018-06-14. Review status: criteria provided, single submitter. Criteria: GeneDx Variant Classification (06012015). Collection method: clinical testing. Allele origin: germline. Affected: yes.
Comment: This variant is considered likely benign or benign based on one or more of the following criteria: it is a conservative change, it occurs at a poorly conserved position in the protein, it is predicted to be benign by multiple in silico algorithms, and/or has population frequency not consistent with disease.

Breakthrough Genomics
Classification: Benign. Review status: criteria provided, single submitter. Criteria: ACMG Guidelines, 2015. Collection method: not provided. Allele origin: germline. Inheritance: Autosomal dominant inheritance. Affected: yes.